The following is an entry in ClinVar:

NM_015662.3(IFT172):c.5187C>T (p.Asp1729=)

Genes: KRTCAP3 (keratinocyte associated protein 3; plus strand), IFT172 (intraflagellar transport 172; minus strand). Cytogenetic location: 2p23.3.
Variant type: single nucleotide variant.
Coding change: c.5187C>T on transcript NM_015662.3 (MANE Select); coding-DNA position 5187, C replaced by T.
Protein change: p.Asp1729=; no amino-acid change (aspartic acid 1729 retained).
Molecular consequence: synonymous variant. On other transcripts: intron variant (1).
Genome position (GRCh38, 1-based): chr2:27,444,495, G>A on the plus strand (C>T on the coding strand, the complement: IFT172 is on the minus strand). VCF-style: chr2-27444495-G-A. GRCh37 (hg19) VCF-style: chr2-27667362-G-A.
Other names: c.5121C>T, p.Asp1707= (NM_001410739.1); c.*5+434G>A (NM_001168364.2).
Identifiers: ClinVar variation 707015 (VCV000707015.36), dbSNP rs143671920, ClinGen allele CA1579317.

ClinVar aggregate classification (germline): Benign/Likely benign. Review status: criteria provided, multiple submitters, no conflicts (2 of 4 stars). 5 submissions from 5 submitters: Benign (1); Likely benign (4). Last evaluated 2026-07-01.

Conditions:
Short-rib thoracic dysplasia 10 with or without polydactyly (SRTD10). Identifiers: Orphanet 474, MedGen C3810175, MONDO:0014284, OMIM 615630.
Retinitis pigmentosa 71 (RP71). Identifiers: Orphanet 791, MedGen C4225342, MONDO:0014618, OMIM 616394.
Bardet-Biedl syndrome 20. Identifiers: MedGen C4310707, MONDO:0023670, OMIM 619471, MONDO:0014926.
Retinal dystrophy. Also called: Inherited retinal dystrophy. Identifiers: Orphanet 71862, MedGen C0854723, MeSH D058499, MONDO:0019118, HP:0000556.

Allele frequency attached by ClinVar (database versions not stated): ESP Exome Variant Server 0.00015; gnomAD 0.00025 and 0.00015; 1000 Genomes Project 0.00180; gnomAD exomes 0.00032; 1000 Genomes Project 30x 0.00156; TOPMed 0.00018; ExAC 0.00045.
gnomAD v4.1: 291 of 1,613,624 alleles (0.018%); highest among the groups gnomAD compares: South Asian, 0.17%; 2 homozygotes.

Submissions (5):

CeGaT Center for Human Genetics Tuebingen
Classification: Likely benign. Last evaluated: 2026-07-01. Review status: criteria provided, single submitter. Criteria: CeGaT Center For Human Genetics Tuebingen Variant Classification Criteria Version 2. Collection method: clinical testing. Allele origin: germline. Affected: yes. Observed: 3 variant alleles.
Comment: IFT172: BP4, BP7

Labcorp Genetics (formerly Invitae), Labcorp
Classification: Benign for Retinitis pigmentosa 71; Short-rib thoracic dysplasia 10 with or without polydactyly. Last evaluated: 2025-10-21. Review status: criteria provided, single submitter. Criteria: Invitae Variant Classification Sherloc (09022015). Collection method: clinical testing. Allele origin: germline.

Blueprint Genetics
Classification: Likely benign. Last evaluated: 2024-11-11. Review status: criteria provided, single submitter. Criteria: ACMG Guidelines, 2015. Collection method: clinical testing. Allele origin: germline.

Dept Of Ophthalmology, Nagoya University
Classification: Likely benign for Retinal dystrophy. Last evaluated: 2023-10-01. Review status: criteria provided, single submitter. Criteria: Submitter's publication. Collection method: research. Allele origin: germline. Affected: yes.

Fulgent Genetics
Classification: Likely benign for Short-rib thoracic dysplasia 10 with or without polydactyly; Retinitis pigmentosa 71; Bardet-Biedl syndrome 20. Last evaluated: 2021-10-29. Review status: criteria provided, single submitter. Criteria: ACMG Guidelines, 2015. Collection method: clinical testing. Allele origin: unknown.